The following is an entry in ClinVar:

NM_000155.4(GALT):c.220_221del (p.Leu74fs)

Genes: GALT (galactose-1-phosphate uridylyltransferase; plus strand), LOC130001683 (ATAC-STARR-seq lymphoblastoid active region 28314; plus strand). Cytogenetic location: 9p13.3.
Variant type: Microsatellite.
Coding change: c.220_221del on transcript NM_000155.4 (MANE Select); coding-DNA positions 220 to 221, 2 bases deleted (CT; older notation c.220_221delCT).
Protein change: p.Leu74fs; shifts the reading frame from leucine 74.
Molecular consequence: frameshift variant.
Genome position (GRCh38, 1-based): chr9:34,647,226-34,647,227, CT deleted; deleting any 2 consecutive bases within chr9:34,647,224-34,647,227 gives the same sequence; the c. name uses the placement nearest the transcript's 3' end. VCF-style (leftmost placement, unchanged base first): chr9-34647223-CCT-C. GRCh37 (hg19) VCF-style: chr9-34647220-CCT-C.
Other names: c.18_19del, p.Val8fs (NM_001258332.2); short protein forms L74fs, V8fs.
Identifiers: ClinVar variation 5010323 (VCV005010323.1), dbSNP rs111033662.

ClinVar aggregate classification (germline): Pathogenic (1 of 4 stars; one submission).

Conditions:
Deficiency of UDPglucose-hexose-1-phosphate uridylyltransferase. Also called: GALACTOSE-1-PHOSPHATE URIDYLYLTRANSFERASE DEFICIENCY; GALT deficiency; Galactosemia, classic; Transferase Deficiency Galactosemia; GALACTOSEMIA I. Identifiers: Orphanet 352, Orphanet 79239, MedGen C0268151, MONDO:0009258, OMIM 230400.

Submission:

Myriad Genetics, Inc.
Classification: Pathogenic for Deficiency of UDPglucose-hexose-1-phosphate uridylyltransferase. Last evaluated: 2025-07-11. Review status: criteria provided, single submitter. Criteria: Myriad Autosomal Dominant, Autosomal Recessive and X-Linked Classification Criteria (2023). Collection method: clinical testing. Allele origin: unknown.
Comment: NM_000155.3(GALT):c.220_221delCT(L74Vfs*17) is expected to be pathogenic in the context of galactosemia. This variant is predicted to lead to an abnormal or absent protein product due to the creation of a premature termination codon in GALT, a gene where loss-of-function variants are known to be pathogenic. Please note: this variant was assessed in the context of healthy population screening.